The following is an entry in ClinVar:

NM_022132.5(MCCC2):c.1305dup (p.Lys436Ter)

Gene: MCCC2 (methylcrotonyl-CoA carboxylase subunit 2; plus strand). Cytogenetic location: 5q13.2.
Variant type: Duplication.
Coding change: c.1305dup on transcript NM_022132.5 (MANE Select); coding-DNA position 1305, one base duplicated (T; older notation c.1305dupT).
Protein change: p.Lys436Ter; replaces lysine 436 with a stop codon.
Molecular consequence: nonsense.
Genome position (GRCh38, 1-based): chr5:71,649,185, T duplicated. VCF-style (leftmost placement, unchanged base first): chr5-71649184-C-CT. GRCh37 (hg19) VCF-style: chr5-70945011-C-CT.
Other names: c.1191dup, p.Lys398Ter (NM_001363147.1); short protein forms K398*, K436*.
Identifiers: ClinVar variation 4081730 (VCV004081730.1).

ClinVar aggregate classification (germline): Pathogenic (1 of 4 stars; one submission).

Conditions:
3-methylcrotonyl-CoA carboxylase 2 deficiency. Also called: METHYLCROTONYLGLYCINURIA, TYPE II; 3 alpha methylcrotonyl-CoA carboxylase 2 deficiency; 3 alpha methylcrotonylglycinuria 2; MCC 2 deficiency; Methylcrotonylglycinuria type 2. Identifiers: Orphanet 6, MedGen C1859499, MONDO:0008862, OMIM 210210.

Submission:

Myriad Genetics, Inc.
Classification: Pathogenic for 3-methylcrotonyl-CoA carboxylase 2 deficiency. Last evaluated: 2025-01-22. Review status: criteria provided, single submitter. Criteria: Myriad Autosomal Dominant, Autosomal Recessive and X-Linked Classification Criteria (2023). Collection method: clinical testing. Allele origin: unknown.
Comment: NM_022132.4(MCCC2):c.1305dupT(K436*) is a nonsense variant classified as pathogenic in the context of 3-methylcrotonyl-CoA carboxylase deficiency, MCCC2-related. K436* has not been observed in cases with relevant disease. Relevant functional assessments of this variant are not available in the literature. K436* has not been observed in referenced population frequency databases. In summary, NM_022132.4(MCCC2):c.1305dupT(K436*) is a nonsense variant in a gene where loss of function is a known mechanism of disease and is predicted to disrupt protein function. Please note: this variant was assessed in the context of healthy population screening.